The following is an entry in ClinVar:

ClinVar aggregate classification (germline): Uncertain significance. Review status: criteria provided, multiple submitters, no conflicts (2 of 4 stars). 10 submissions from 10 submitters: Uncertain significance (10). Last evaluated 2025-11-20.

Conditions:
Cardiovascular phenotype. Identifiers: MedGen CN230736.
Hypertrophic cardiomyopathy 4. Also called: Familial hypertrophic cardiomyopathy 4. Identifiers: MedGen C1861862, MONDO:0007268, OMIM 115197.
Left ventricular noncompaction 10 (LVNC10). Identifiers: Orphanet 154, Orphanet 54260, MedGen C3715165, MONDO:0014163, OMIM 615396.
Cardiomyopathy (CMYO). Also called: Cardiomyopathies. Identifiers: Orphanet 167848, MedGen C0878544, MONDO:0004994, HP:0001638. Inheritance: Various modes of inheritance.
Hypertrophic cardiomyopathy. Also called: HYPERTROPHIC MYOCARDIOPATHY. Identifiers: Orphanet 217569, MedGen C0007194, MeSH D002312, MONDO:0005045, HP:0001639.

Allele frequency attached by ClinVar (database versions not stated): gnomAD 0.00001; gnomAD exomes 0.00001; TOPMed 0.00001.

Submissions (10):

Labcorp Genetics (formerly Invitae), Labcorp
Classification: Uncertain significance for Hypertrophic cardiomyopathy. Last evaluated: 2025-11-20. Review status: criteria provided, single submitter. Criteria: Invitae Variant Classification Sherloc (09022015). Collection method: clinical testing. Allele origin: germline.
Comment: This sequence change replaces arginine, which is basic and polar, with histidine, which is basic and polar, at codon 346 of the MYBPC3 protein (p.Arg346His). This variant is not present in population databases (gnomAD no frequency). This missense change has been observed in individual(s) with hypertrophic cardiomyopathy (PMID: 27532257, 30282064, 37652022, 38002985). ClinVar contains an entry for this variant (Variation ID: 42501). An algorithm developed to predict the effect of missense changes on protein structure and function (PolyPhen-2) suggests that this variant is likely to be tolerated. This variant disrupts the p.Arg346 amino acid residue in MYBPC3. Other variant(s) that disrupt this residue have been observed in individuals with MYBPC3-related conditions (PMID: 25132132; internal data), which suggests that this may be a clinically significant amino acid residue. In summary, the available evidence is currently insufficient to determine the role of this variant in disease. Therefore, it has been classified as a Variant of Uncertain Significance.

ARUP Laboratories, Molecular Genetics and Genomics, ARUP Laboratories
Classification: Uncertain significance. Last evaluated: 2024-08-11. Review status: criteria provided, single submitter. Criteria: ARUP Molecular Germline Variant Investigation Process 2024. Collection method: clinical testing. Allele origin: germline.
Comment: The MYBPC3 c.1037G>A; p.Arg346His variant (rs397515883, ClinVar Variation ID: 42501) is reported in the literature in multiple individuals affected with hypertrophic cardiomyopathy (McGurk 2023, Walsh 2017). This variant is absent from the Genome Aggregation Database (v2.1.1), indicating it is not a common polymorphism. Computational analyses are uncertain whether this variant is neutral or deleterious (REVEL: 0.675). Due to limited information, the clinical significance of this variant is uncertain at this time. References: McGurk KA et al. The penetrance of rare variants in cardiomyopathy-associated genes: A cross-sectional approach to estimating penetrance for secondary findings. Am J Hum Genet. 2023 Sep 7;110(9):1482-1495. PMID: 37652022. Walsh R et al. Reassessment of Mendelian gene pathogenicity using 7,855 cardiomyopathy cases and 60,706 reference samples. Genet Med. 2017 Feb;19(2):192-203. PMID: 27532257.

All of Us Research Program, National Institutes of Health
Classification: Uncertain significance for Hypertrophic cardiomyopathy. Last evaluated: 2024-06-17. Review status: criteria provided, single submitter. Criteria: ACMG Guidelines, 2015. Collection method: clinical testing. Allele origin: germline. Inheritance: Autosomal dominant inheritance. Observed: 1 variant allele, 1 heterozygote.
Comment: This missense variant replaces arginine with histidine at codon 346 of the MYBPC3 protein. Computational prediction tools indicate that this variant has a deleterious impact on protein structure and function. To our knowledge, functional studies have not been reported for this variant. This variant has been reported in several individuals affected with hypertrophic cardiomyopathy (PMID: 25611685, 27532257, 30282064, 38002985). One of these individuals also carried a pathogenic truncation variant in the same gene (PMID: 30282064). In a study of a large cohort of individuals affected with hypertrophic cardiomyopathy, this variant was observed in 3 individuals out of a total of 6179 affected individuals (PMID: 27532257). It has been shown that this variant segregates with disease in two additional affected relatives in two families (PMID: 38002985). This variant has not been identified in the general population by the Genome Aggregation Database (gnomAD). The available evidence is insufficient to determine the role of this variant in disease conclusively. Therefore, this variant is classified as a Variant of Uncertain Significance.

This study involves interpretation of variants in research participants for the purpose of population health screening. Participant phenotype was not available at the time of variant classification. Additional details can be found in publication PMID: 35346344, PMCID: PMC8962531

Color Diagnostics, LLC DBA Color Health
Classification: Uncertain significance for Cardiomyopathy. Last evaluated: 2024-06-05. Review status: criteria provided, single submitter. Criteria: ACMG Guidelines, 2015. Collection method: clinical testing. Allele origin: germline.
Comment: This missense variant replaces arginine with histidine at codon 346 of the MYBPC3 protein. Computational prediction tools indicate that this variant has a deleterious impact on protein structure and function. To our knowledge, functional studies have not been reported for this variant. This variant has been reported in several individuals affected with hypertrophic cardiomyopathy (PMID: 25611685, 27532257, 30282064, 38002985). One of these individuals also carried a pathogenic truncation variant in the same gene (PMID: 30282064). In a study of a large cohort of individuals affected with hypertrophic cardiomyopathy, this variant was observed in 3 individuals out of a total of 6179 affected individuals (PMID: 27532257). It has been shown that this variant segregates with disease in two additional affected relatives in two families (PMID: 38002985). This variant has not been identified in the general population by the Genome Aggregation Database (gnomAD). The available evidence is insufficient to determine the role of this variant in disease conclusively. Therefore, this variant is classified as a Variant of Uncertain Significance.

GeneDx
Classification: Uncertain significance. Last evaluated: 2023-12-21. Review status: criteria provided, single submitter. Criteria: GeneDx Variant Classification Process June 2021. Collection method: clinical testing. Allele origin: germline. Affected: yes.
Comment: Also reported in a patient with sudden death and HCM diagnosed on autopsy who also harbors additional cardiogenetic variants including a frameshift variant in the MYBPC3 gene in cis (PMID: 30282064); Not observed at significant frequency in large population cohorts (gnomAD); In silico analysis supports that this missense variant has a deleterious effect on protein structure/function; This variant is associated with the following publications: (PMID: Siskind_2022_Preprint, 38002985, 27532257, 30282064)

Blueprint Genetics
Classification: Uncertain significance. Last evaluated: 2023-02-28. Review status: criteria provided, single submitter. Criteria: ACMG Guidelines, 2015. Collection method: clinical testing. Allele origin: germline.

Fulgent Genetics
Classification: Uncertain significance for Hypertrophic cardiomyopathy 4; Left ventricular noncompaction 10. Last evaluated: 2021-07-01. Review status: criteria provided, single submitter. Criteria: ACMG Guidelines, 2015. Collection method: clinical testing. Allele origin: unknown.

Ambry Genetics
Classification: Uncertain significance for Cardiovascular phenotype. Last evaluated: 2021-04-20. Review status: criteria provided, single submitter. Criteria: Ambry Variant Classification Scheme 2023. Collection method: clinical testing. Allele origin: germline.

Petrovsky National Research Centre of Surgery, The Federal Agency for Scientific Organizations
Classification: Uncertain significance. Last evaluated: 2020-11-17. Review status: criteria provided, single submitter. Criteria: ACMG Guidelines, 2015. Collection method: clinical testing. Allele origin: unknown. Inheritance: Autosomal dominant inheritance. Affected: yes. Observed: 2 heterozygotes. Clinical features observed: Left ventricular noncompaction cardiomyopathy (HP:0011664), Cardiac arrhythmia (HP:0011675), Ventricular arrhythmia (HP:0004308).
Comment: We observed a genetic variants c.1037G>A (p.R346H) in MyBPC3 gene in two unrelated probands diagnosed with left ventricular non-compaction. To our knowledge, this variant is rare. In silico tools (PolyPhen2, MutationTaster, SIFT) classify this variant as deleterious. However, no segregation data was available for both families. In the absence of functional studies we can only classify the c.1037G>A (p.R346H) variant as variant of uncertain clinical significance.

Laboratory for Molecular Medicine, Mass General Brigham Personalized Medicine
Classification: Uncertain significance. Last evaluated: 2020-08-10. Review status: criteria provided, single submitter. Criteria: LMM Criteria. Collection method: clinical testing. Allele origin: germline. Observed: 1 variant allele.
Comment: The p.Arg346His variant in MYBPC3 has been reported in 3 individuals with HCM (Walsh 2017 PMID:27532257, LMM data). This variant has also been reported by other clinical laboratories in ClinVar (Variation ID 42501). It was absent from large population studies. Computational prediction tools and conservation analyses do not provide strong support for or against an impact to the protein. In summary, the clinical significance of this variant is uncertain. ACMG/AMP Criteria applied: PM2, PS4_Supporting.

Literature cited by the submitters: PubMed 27532257 (cited by 4 submitters); PubMed 30282064 (cited by 3 submitters); PubMed 37652022 (cited by Labcorp Genetics (formerly Invitae), Labcorp); PubMed 38002985 (cited by 3 submitters); PubMed 25132132 (cited by Labcorp Genetics (formerly Invitae), Labcorp); PubMed 25611685 (cited by All of Us Research Program, National Institutes of Health and Color Diagnostics, LLC DBA Color Health).

NM_000256.3(MYBPC3):c.1037G>A (p.Arg346His)

Gene: MYBPC3 (myosin binding protein C3; minus strand). Cytogenetic location: 11p11.2.
Variant type: single nucleotide variant.
Coding change: c.1037G>A on transcript NM_000256.3 (MANE Select); coding-DNA position 1037, G replaced by A.
Protein change: p.Arg346His; replaces arginine 346 with histidine.
Molecular consequence: missense variant.
Genome position (GRCh38, 1-based): chr11:47,346,260, C>T on the plus strand (G>A on the coding strand, the complement: MYBPC3 is on the minus strand). VCF-style: chr11-47346260-C-T. GRCh37 (hg19) VCF-style: chr11-47367811-C-T.
Other names: p.R346H:CGC>CAC; short protein forms R346H.
Identifiers: ClinVar variation 42501 (VCV000042501.26), dbSNP rs397515883, ClinGen allele CA009714.